The following is an entry in ClinVar:

ClinVar aggregate classification (germline): Uncertain significance (1 of 4 stars; one submission).

Conditions:
Congenital myopathy with internal nuclei and atypical cores. Also called: Myopathy, centronuclear, 4. Identifiers: Orphanet 319160, MedGen C4707232, MONDO:0013890, OMIM 614807.

gnomAD v4.1: 12 of 1,548,344 alleles (0.00078%); highest among the groups gnomAD compares: South Asian, 0.0024%; no homozygotes.

Submission:

Labcorp Genetics (formerly Invitae), Labcorp
Classification: Uncertain significance for Congenital myopathy with internal nuclei and atypical cores. Last evaluated: 2025-06-12. Review status: criteria provided, single submitter. Criteria: Invitae Variant Classification Sherloc (09022015). Collection method: clinical testing. Allele origin: germline.
Comment: This sequence change replaces arginine, which is basic and polar, with glutamine, which is neutral and polar, at codon 17 of the CCDC78 protein (p.Arg17Gln). This variant is present in population databases (no rsID available, gnomAD 0.004%). This variant has not been reported in the literature in individuals affected with CCDC78-related conditions. ClinVar contains an entry for this variant (Variation ID: 652990). Invitae Evidence Modeling of protein sequence and biophysical properties (such as structural, functional, and spatial information, amino acid conservation, physicochemical variation, residue mobility, and thermodynamic stability) indicates that this missense variant is not expected to disrupt CCDC78 protein function with a negative predictive value of 80%. In summary, the available evidence is currently insufficient to determine the role of this variant in disease. Therefore, it has been classified as a Variant of Uncertain Significance.

NM_001378030.1(CCDC78):c.50G>A (p.Arg17Gln)

Gene: CCDC78 (coiled-coil domain containing 78; minus strand). Cytogenetic location: 16p13.3.
Variant type: single nucleotide variant.
Coding change: c.50G>A on transcript NM_001378030.1 (MANE Select); coding-DNA position 50, G replaced by A.
Protein change: p.Arg17Gln; replaces arginine 17 with glutamine.
Molecular consequence: missense variant. On other transcripts: non-coding transcript variant (3), intron variant (1).
Genome position (GRCh38, 1-based): chr16:726,318, C>T on the plus strand (G>A on the coding strand, the complement: CCDC78 is on the minus strand). VCF-style: chr16-726318-C-T. GRCh37 (hg19) VCF-style: chr16-776318-C-T.
Other names: c.50G>A, p.Arg17Gln (NM_001031737.3, NM_001378031.1); c.-225-233G>A (NM_001378033.1); short protein forms R17Q.
Identifiers: ClinVar variation 652990 (VCV000652990.12), dbSNP rs1046402338, ClinGen allele CA394106280.